The following is an entry in ClinVar:

NM_000431.4(MVK):c.129_130del (p.His44fs)

Gene: MVK (mevalonate kinase; plus strand). Cytogenetic location: 12q24.11.
Variant type: Deletion.
Coding change: c.129_130del on transcript NM_000431.4 (MANE Select); coding-DNA positions 129 to 130, 2 bases deleted (CC; older notation c.129_130delCC).
Protein change: p.His44fs; shifts the reading frame from histidine 44.
Molecular consequence: frameshift variant.
Genome position (GRCh38, 1-based): chr12:109,576,048-109,576,049, CC deleted; deleting any 2 consecutive bases within chr12:109,576,046-109,576,049 gives the same sequence; the c. name uses the placement nearest the transcript's 3' end. VCF-style (leftmost placement, unchanged base first): chr12-109576045-ACC-A. GRCh37 (hg19) VCF-style: chr12-110013850-ACC-A.
Other names: c.129_130del, p.His44fs (NM_001114185.3, NM_001301182.2); short protein forms H44fs.
Identifiers: ClinVar variation 97574 (VCV000097574.9), dbSNP rs104895368, ClinGen allele CA149800.

ClinVar aggregate classification (germline): Pathogenic/Likely pathogenic. Review status: criteria provided, multiple submitters, no conflicts (2 of 4 stars). 3 submissions from 3 submitters: Pathogenic (1); Likely pathogenic (1). 1 of the submissions does not count toward it. Last evaluated 2024-03-21.

Conditions:
Mevalonic aciduria (MEVA). Identifiers: Orphanet 29, MedGen C1959626, MONDO:0012481, OMIM 610377.
Porokeratosis 3, disseminated superficial actinic type (POROK3). Also called: POROKERATOSIS 3, MULTIPLE TYPES; POROKERATOSIS 3, MIBELLI TYPE; POROKERATOSIS, DISSEMINATED SUPERFICIAL ACTINIC, 1. Identifiers: MedGen C1867981, MONDO:0008293, OMIM 175900.
Hyperimmunoglobulin D with periodic fever (HIDS). Also called: HYPERIMMUNOGLOBULINEMIA D AND PERIODIC FEVER SYNDROME; Hyperimmunoglobulinemia D; Hyperimmunoglobulinemia D with periodic fever. Identifiers: Orphanet 343, MedGen C0398691, MONDO:0009849, OMIM 260920.

Submissions (3):

Fulgent Genetics
Classification: Likely pathogenic for Porokeratosis 3, disseminated superficial actinic type; Hyperimmunoglobulin D with periodic fever; Mevalonic aciduria. Last evaluated: 2024-03-21. Review status: criteria provided, single submitter. Criteria: ACMG Guidelines, 2015. Collection method: clinical testing. Allele origin: germline.

Labcorp Genetics (formerly Invitae), Labcorp
Classification: Pathogenic for Mevalonic aciduria; Hyperimmunoglobulin D with periodic fever; Porokeratosis 3, disseminated superficial actinic type. Last evaluated: 2023-09-15. Review status: criteria provided, single submitter. Criteria: Invitae Variant Classification Sherloc (09022015). Collection method: clinical testing. Allele origin: germline.
Comment: For these reasons, this variant has been classified as Pathogenic. ClinVar contains an entry for this variant (Variation ID: 97574). This premature translational stop signal has been observed in individual(s) with mevalonate kinase deficiency (PMID: 16835861). This variant is not present in population databases (gnomAD no frequency). This sequence change creates a premature translational stop signal (p.His44Glnfs*35) in the MVK gene. It is expected to result in an absent or disrupted protein product. Loss-of-function variants in MVK are known to be pathogenic (PMID: 16835861, 17105862, 23834120).

Unité médicale des maladies autoinflammatoires, CHRU Montpellier
No classification provided. Condition: Hyperimmunoglobulin D with periodic fever. Review status: no classification provided. Collection method: not provided. Allele origin: unknown. Not counted in ClinVar's aggregate classification.
Comment: also involved in OMIM 25117

Literature cited by the submitters: PubMed 16835861 (cited by Labcorp Genetics (formerly Invitae), Labcorp); PubMed 17105862 (cited by Labcorp Genetics (formerly Invitae), Labcorp); PubMed 23834120 (cited by Labcorp Genetics (formerly Invitae), Labcorp).